The following is an entry in ClinVar:

NM_000051.4(ATM):c.7265A>G (p.Glu2422Gly)

Genes: ATM (ATM serine/threonine kinase; plus strand), C11orf65 (chromosome 11 open reading frame 65; minus strand). Cytogenetic location: 11q22.3.
Variant type: single nucleotide variant.
Coding change: c.7265A>G on transcript NM_000051.4 (MANE Select); coding-DNA position 7265, A replaced by G.
Protein change: p.Glu2422Gly; replaces glutamic acid 2422 with glycine.
Molecular consequence: missense variant. On other transcripts: intron variant (2).
Genome position (GRCh38, 1-based): chr11:108,329,196, A>G. VCF-style: chr11-108329196-A-G. GRCh37 (hg19) VCF-style: chr11-108199923-A-G.
Other names: c.7265A>G, p.Glu2422Gly (NM_001351834.2); c.641-20125T>C (NM_001330368.2); c.*38+6024T>C (NM_001351110.2); short protein forms E2422G.
Identifiers: ClinVar variation 627891 (VCV000627891.17), dbSNP rs758614348, ClinGen allele CA6266086.
Genomic context (GRCh38, chr11:108,329,196, plus strand): 5'-AAAACTACATGAAATCATCGGAATTTGAAAACAAGCAAGCTCTCCTGAAAAGAGCCAAAG[A>G]GGAAGTAGGTCTCCTTAGGGAACATAAAATTCAGACAAACAGGTAACTAGGTTTCTACAA-3'
Protein context (NP_000042.3, residues 2412-2432): NKQALLKRAK[Glu2422Gly]EVGLLREHKI

ClinVar aggregate classification (germline): Uncertain significance. Review status: criteria provided, multiple submitters, no conflicts (2 of 4 stars). 4 submissions from 4 submitters: Uncertain significance (4). Last evaluated 2025-12-09.

Conditions:
Hereditary cancer-predisposing syndrome. Also called: Tumor predisposition; Hereditary neoplastic syndrome; Neoplastic Syndromes, Hereditary; Hereditary Cancer Syndrome. Identifiers: Orphanet 140162, MedGen C0027672, MeSH D009386, MONDO:0015356.
Ataxia-telangiectasia syndrome (AT). Also called: Ataxia-telangiectasia, complementation group D; AT, COMPLEMENTATION GROUP C; ATAXIA-TELANGIECTASIA, COMPLEMENTATION GROUP A; ATAXIA-TELANGIECTASIA, FRESNO VARIANT; Ataxia-telangiectasia; LOUIS-BAR SYNDROME. Identifiers: Orphanet 100, MedGen C0004135, MONDO:0008840, OMIM 208900.
Familial cancer of breast. Also called: Hereditary breast cancer; BREAST CANCER, FAMILIAL; hereditary breast carcinoma. Identifiers: Orphanet 227535, MedGen C0346153, MONDO:0016419, OMIM 114480. Disease mechanism: loss of function.

Allele frequency attached by ClinVar (database versions not stated): gnomAD exomes below 0.00001; ExAC 0.00001.
gnomAD v4.1: 2 of 1,614,090 alleles (0.00012%); highest among the groups gnomAD compares: Non-Finnish European, 0.00017%; no homozygotes.

Submissions (4):

Labcorp Genetics (formerly Invitae), Labcorp
Classification: Uncertain significance for Ataxia-telangiectasia syndrome. Last evaluated: 2025-12-09. Review status: criteria provided, single submitter. Criteria: Invitae Variant Classification Sherloc (09022015). Collection method: clinical testing. Allele origin: germline.
Comment: This sequence change replaces glutamic acid, which is acidic and polar, with glycine, which is neutral and non-polar, at codon 2422 of the ATM protein (p.Glu2422Gly). This variant is present in population databases (rs758614348, gnomAD 0.0009%). This variant has not been reported in the literature in individuals affected with ATM-related conditions. ClinVar contains an entry for this variant (Variation ID: 627891). Invitae Evidence Modeling of protein sequence and biophysical properties (such as structural, functional, and spatial information, amino acid conservation, physicochemical variation, residue mobility, and thermodynamic stability) has been performed for this missense variant. However, the output from this modeling did not meet the statistical confidence thresholds required to predict the impact of this variant on ATM protein function. In summary, the available evidence is currently insufficient to determine the role of this variant in disease. Therefore, it has been classified as a Variant of Uncertain Significance.

Ambry Genetics
Classification: Uncertain significance for Hereditary cancer-predisposing syndrome. Last evaluated: 2025-11-18. Review status: criteria provided, single submitter. Criteria: Ambry Variant Classification Scheme 2023. Collection method: clinical testing. Allele origin: germline.
Comment: The p.E2422G variant (also known as c.7265A>G), located in coding exon 48 of the ATM gene, results from an A to G substitution at nucleotide position 7265. The glutamic acid at codon 2422 is replaced by glycine, an amino acid with similar properties. In an assay testing ATM function, this variant showed a functionally normal result (Lee KS et al. Cell, 2025 Sep;188:5081-5099.e27). This amino acid position is well conserved in available vertebrate species. In addition, the in silico prediction for this alteration is inconclusive. Based on the available evidence, the clinical significance of this variant remains unclear.

Color Diagnostics, LLC DBA Color Health
Classification: Uncertain significance for Hereditary cancer-predisposing syndrome. Last evaluated: 2025-09-16. Review status: criteria provided, single submitter. Criteria: ACMG Guidelines, 2015. Collection method: clinical testing. Allele origin: germline.
Comment: This missense variant replaces glutamic acid with glycine at codon 2422 of the ATM protein. Computational prediction is inconclusive regarding the impact of this variant on protein structure and function. To our knowledge, functional studies have not been reported for this variant. This variant has not been reported in individuals affected with ATM-related disorders in the literature. This variant has been identified in 1/251186 chromosomes in the general population by the Genome Aggregation Database (gnomAD). The available evidence is insufficient to determine the role of this variant in disease conclusively. Therefore, this variant is classified as a Variant of Uncertain Significance.

Baylor Genetics
Classification: Uncertain significance for Familial cancer of breast. Last evaluated: 2023-09-15. Review status: criteria provided, single submitter. Criteria: ACMG Guidelines, 2015. Collection method: clinical testing. Allele origin: unknown.

Literature cited by the submitters: PubMed 40580951 (cited by Ambry Genetics).